The following is an entry in ClinVar:

ClinVar aggregate classification (germline): Uncertain significance (1 of 4 stars; one submission).

Conditions:
Brugada syndrome. Also called: Sudden unexplained nocturnal death syndrome; Sudden Unexplained Death Syndrome; Sudden Unexplained Nocturnal Death Syndrome (SUNDS); Sudden unexpected nocturnal death syndrome. Identifiers: Orphanet 130, MedGen C1142166, MONDO:0015263.

Allele frequency attached by ClinVar (database versions not stated): gnomAD exomes below 0.00001.
gnomAD v4.1: 5 of 1,612,138 alleles (0.00031%); highest among the groups gnomAD compares: Non-Finnish European, 0.00042%; no homozygotes.

Submission:

Labcorp Genetics (formerly Invitae), Labcorp
Classification: Uncertain significance for Brugada syndrome. Last evaluated: 2025-02-11. Review status: criteria provided, single submitter. Criteria: Invitae Variant Classification Sherloc (09022015). Collection method: clinical testing. Allele origin: germline.
Comment: This sequence change replaces tyrosine, which is neutral and polar, with phenylalanine, which is neutral and non-polar, at codon 1056 of the CACNA2D1 protein (p.Tyr1056Phe). This variant is not present in population databases (gnomAD no frequency). This variant has not been reported in the literature in individuals affected with CACNA2D1-related conditions. ClinVar contains an entry for this variant (Variation ID: 2992460). An algorithm developed to predict the effect of missense changes on protein structure and function (PolyPhen-2) suggests that this variant is likely to be tolerated. In summary, the available evidence is currently insufficient to determine the role of this variant in disease. Therefore, it has been classified as a Variant of Uncertain Significance.

NM_000722.4(CACNA2D1):c.3167A>T (p.Tyr1056Phe)

Gene: CACNA2D1 (calcium voltage-gated channel auxiliary subunit alpha2delta 1; minus strand). Cytogenetic location: 7q21.11.
Variant type: single nucleotide variant.
Coding change: c.3167A>T on transcript NM_000722.4 (MANE Select); coding-DNA position 3167, A replaced by T.
Protein change: p.Tyr1056Phe; replaces tyrosine 1056 with phenylalanine.
Molecular consequence: missense variant.
Genome position (GRCh38, 1-based): chr7:81,950,501, T>A on the plus strand (A>T on the coding strand, the complement: CACNA2D1 is on the minus strand). VCF-style: chr7-81950501-T-A. GRCh37 (hg19) VCF-style: chr7-81579817-T-A.
Other names: c.3203A>T, p.Tyr1068Phe (NM_001366867.1); short protein forms Y1056F, Y1068F.
Identifiers: ClinVar variation 2992460 (VCV002992460.3), dbSNP rs2484192896, ClinGen allele CA367880431.
Genomic context (GRCh38, chr7:81,950,501, plus strand): 5'-TGGATTCCAATGATATACCACAGGGAGGGATTTAATCCAGAAACACCACCACAGTCAGTA[T>A]AATCCTCCTGTTGTTAAAAAAAAAAGAAAAGAACAGAAAAAGAAAAATCTAAAAATCTTG-3'
Protein context (NP_000713.2, residues 1046-1066): VCFDNNVLED[Tyr1056Phe]TDCGGVSGLN